The following is an entry in ClinVar:

NM_023936.2(MRPS34):c.21_22delinsGG (p.Pro8Ala)

Genes: EME2 (essential meiotic structure-specific endonuclease subunit 2; plus strand), MRPS34 (mitochondrial ribosomal protein S34; minus strand), LOC130058184 (ATAC-STARR-seq lymphoblastoid active region 10237; plus strand). Cytogenetic location: 16p13.3.
Variant type: Indel.
Coding change: c.21_22delinsGG on transcript NM_023936.2 (MANE Select); coding-DNA positions 21 to 22, TC replaced by GG.
Protein change: p.Pro8Ala; replaces proline 8 with alanine.
Molecular consequence: missense variant. On other transcripts: 5 prime UTR variant (1).
Genome position (GRCh38, 1-based): chr16:1,773,098-1,773,099, GA replaced by CC on the plus strand (TC replaced by GG on the coding strand, the reverse complement: MRPS34 is on the minus strand). VCF-style: chr16-1773098-GA-CC. GRCh37 (hg19) VCF-style: chr16-1823099-GA-CC.
Other names: c.-130_-129delinsCC (NM_001257370.2); c.21_22delinsGG, p.Pro8Ala (NM_001300900.2); short protein forms P8A.
Identifiers: ClinVar variation 1487569 (VCV001487569.5), dbSNP rs2141980094, ClinGen allele CA2573151503.
Genomic context (GRCh38, chr16:1,773,098, plus strand): 5'-GCCTGTTCAGTTGCTCCCGCAGGGCGCGCACGCGGCGGGCCAGCTCCGCGATCAGCCGCG[GA>CC]CGCACCTTCTTCCGCGCCATGGCGGGTCCGCGTCCTCAGCGGTCCGGCCGGAAGTCACCG-3'
Protein context (NP_076425.1, residues 1-18): MARKKVR[Pro8Ala]RLIAELARRV

ClinVar aggregate classification (germline): Uncertain significance (1 of 4 stars; one submission).

Submission:

Labcorp Genetics (formerly Invitae), Labcorp
Classification: Uncertain significance. Last evaluated: 2022-08-23. Review status: criteria provided, single submitter. Criteria: Invitae Variant Classification Sherloc (09022015). Collection method: clinical testing. Allele origin: germline.
Comment: This sequence change replaces proline with alanine at codon 8 of the MRPS34 protein (p.Pro8Ala). The proline residue is weakly conserved and there is a small physicochemical difference between proline and alanine. Information on the frequency of this variant in the gnomAD database is not available, as this variant may be reported differently in the database. This variant has not been reported in the literature in individuals affected with MRPS34-related conditions. ClinVar contains an entry for this variant (Variation ID: 1487569). Experimental studies and prediction algorithms are not available or were not evaluated, and the functional significance of this variant is currently unknown. In summary, the available evidence is currently insufficient to determine the role of this variant in disease. Therefore, it has been classified as a Variant of Uncertain Significance.